The following is an entry in ClinVar:

ClinVar aggregate classification (germline): Conflicting classifications of pathogenicity. Review status: criteria provided, conflicting classifications (1 of 4 stars). 6 submissions from 6 submitters: Likely pathogenic (3); Uncertain significance (2). 1 of the submissions does not count toward it. Last evaluated 2025-03-17.

Conditions:
Propionic acidemia (PROP). Also called: GLYCINEMIA, KETOTIC; HYPERGLYCINEMIA WITH KETOACIDOSIS AND LEUKOPENIA; KETOTIC HYPERGLYCINEMIA. Identifiers: Orphanet 35, MedGen C0268579, MONDO:0011628, OMIM 606054, HP:0003571.
Inborn genetic diseases. Identifiers: MedGen C0950123, MeSH D030342.

Allele frequency attached by ClinVar (database versions not stated): gnomAD exomes 0.00001; TOPMed 0.00002; gnomAD 0.00003 and 0.00004.
gnomAD v4.1: 26 of 1,614,034 alleles (0.0016%); highest among the groups gnomAD compares: Non-Finnish European, 0.002%; no homozygotes.

Submissions (6):

Labcorp Genetics (formerly Invitae), Labcorp
Classification: Likely pathogenic for Propionic acidemia. Last evaluated: 2025-03-17. Review status: criteria provided, single submitter. Criteria: Invitae Variant Classification Sherloc (09022015). Collection method: clinical testing. Allele origin: germline.
Comment: This sequence change replaces isoleucine, which is neutral and non-polar, with threonine, which is neutral and polar, at codon 505 of the PCCB protein (p.Ile505Thr). This variant is present in population databases (no rsID available, gnomAD 0.003%). This missense change has been observed in individual(s) with clinical features of propionic acidemia (internal data). ClinVar contains an entry for this variant (Variation ID: 971266). Invitae Evidence Modeling of protein sequence and biophysical properties (such as structural, functional, and spatial information, amino acid conservation, physicochemical variation, residue mobility, and thermodynamic stability) indicates that this missense variant is expected to disrupt PCCB protein function with a positive predictive value of 80%. In summary, the currently available evidence indicates that the variant is pathogenic, but additional data are needed to prove that conclusively. Therefore, this variant has been classified as Likely Pathogenic.

Women's Health and Genetics/Laboratory Corporation of America, LabCorp
Classification: Uncertain significance. Last evaluated: 2024-11-13. Review status: criteria provided, single submitter. Criteria: LabCorp Variant Classification Summary - May 2015. Collection method: clinical testing. Allele origin: germline.
Comment: Variant summary: PCCB c.1514T>C (p.Ile505Thr) results in a non-conservative amino acid change located in the Acetyl-coenzyme A (CoA) carboxyltransferase C-terminal domain (IPR011763) of the encoded protein sequence. Five of five in-silico tools predict a damaging effect of the variant on protein function. The variant allele was found at a frequency of 1.2e-05 in 251210 control chromosomes. c.1514T>C has been reported in the literature in individuals affected with clinical features of Propionic Acidemia and in at least 1 individual, this variant has been identified in trans with a pathogenic variant (Grotto_2022, Invitae). These data do not allow any conclusion about variant significance. To our knowledge, no experimental evidence demonstrating an impact on protein function has been reported. The following publications have been ascertained in the context of this evaluation (PMID: 29592908). ClinVar contains an entry for this variant (Variation ID: 971266). Based on the evidence outlined above, the variant was classified as VUS-possibly pathogenic.

Fulgent Genetics
Classification: Likely pathogenic for Propionic acidemia. Last evaluated: 2024-03-22. Review status: criteria provided, single submitter. Criteria: ACMG Guidelines, 2015. Collection method: clinical testing. Allele origin: germline.

Baylor Genetics
Classification: Likely pathogenic for Propionic acidemia. Last evaluated: 2024-03-20. Review status: criteria provided, single submitter. Criteria: ACMG Guidelines, 2015. Collection method: clinical testing. Allele origin: unknown.

Ambry Genetics
Classification: Uncertain significance for Inborn genetic diseases. Last evaluated: 2021-10-12. Review status: criteria provided, single submitter. Criteria: Ambry Variant Classification Scheme 2023. Collection method: clinical testing. Allele origin: germline.

Natera, Inc.
Classification: Uncertain significance for Propionic acidemia. Last evaluated: 2021-05-03. Review status: no assertion criteria provided. Collection method: clinical testing. Allele origin: germline. Not counted in ClinVar's aggregate classification.

Literature cited by the submitters: PubMed 29592908 (cited by Women's Health and Genetics/Laboratory Corporation of America, LabCorp).

NM_000532.5(PCCB):c.1514T>C (p.Ile505Thr)

Gene: PCCB (propionyl-CoA carboxylase subunit beta; plus strand). Cytogenetic location: 3q22.3.
Variant type: single nucleotide variant.
Coding change: c.1514T>C on transcript NM_000532.5 (MANE Select); coding-DNA position 1514, T replaced by C.
Protein change: p.Ile505Thr; replaces isoleucine 505 with threonine.
Molecular consequence: missense variant.
Genome position (GRCh38, 1-based): chr3:136,329,920, T>C. VCF-style: chr3-136329920-T-C. GRCh37 (hg19) VCF-style: chr3-136048762-T-C.
Other names: c.1574T>C, p.Ile525Thr (NM_001178014.2); short protein forms I505T, I525T.
Identifiers: ClinVar variation 971266 (VCV000971266.15), dbSNP rs1353542774, ClinGen allele CA354649951.